The following is an entry in ClinVar:

NM_000016.6(ACADM):c.622G>T (p.Asp208Tyr)

Gene: ACADM (acyl-CoA dehydrogenase medium chain; plus strand). Cytogenetic location: 1p31.1.
Variant type: single nucleotide variant.
Coding change: c.622G>T on transcript NM_000016.6 (MANE Select); coding-DNA position 622, G replaced by T.
Protein change: p.Asp208Tyr; replaces aspartic acid 208 with tyrosine.
Molecular consequence: missense variant.
Genome position (GRCh38, 1-based): chr1:75,745,828, G>T. VCF-style: chr1-75745828-G-T. GRCh37 (hg19) VCF-style: chr1-76211513-G-T.
Other names: c.634G>T, p.Asp212Tyr (NM_001127328.3); c.514G>T, p.Asp172Tyr (NM_001286042.2); c.721G>T, p.Asp241Tyr (NM_001286043.2); c.55G>T, p.Asp19Tyr (NM_001286044.2); short protein forms D172Y, D19Y, D208Y, D212Y, D241Y.
Identifiers: ClinVar variation 1058323 (VCV001058323.10), dbSNP rs983879715, ClinGen allele CA340815850.
Genomic context (GRCh38, chr1:75,745,828, plus strand): 5'-CGATATTATCACCATTATCCGGTATGTGTATCTCTTAGGTATTTTTTATTGGCACGTTCT[G>T]ATCCAGATCCTAAAGCTCCTGCTAATAAAGCCTTTACTGGATTCATTGTGGAAGCAGATA-3'
Protein context (NP_000007.1, residues 198-218): ANWYFLLARS[Asp208Tyr]PDPKAPANKA

ClinVar aggregate classification (germline): Likely pathogenic. Review status: criteria provided, single submitter (1 of 4 stars). 2 submissions from 2 submitters: Likely pathogenic (1). 1 of the submissions does not count toward it. Last evaluated 2023-12-18.

Conditions:
Medium-chain acyl-coenzyme A dehydrogenase deficiency (ACADMD). Also called: CARNITINE DEFICIENCY SECONDARY TO MEDIUM-CHAIN ACYL-CoA DEHYDROGENASE DEFICIENCY; MCAD Deficiency; MCADH DEFICIENCY; Medium chain acyl-CoA dehydrogenase deficiency; MCADD; ACADM DEFICIENCY. Identifiers: Orphanet 42, MedGen C0220710, MONDO:0008721, OMIM 201450.

Allele frequency attached by ClinVar (database versions not stated): gnomAD exomes below 0.00001.
gnomAD v4.1: 3 of 1,613,760 alleles (0.00019%); highest among the groups gnomAD compares: Non-Finnish European, 0.00017%; no homozygotes.

Submissions (2):

Labcorp Genetics (formerly Invitae), Labcorp
Classification: Likely pathogenic for Medium-chain acyl-coenzyme A dehydrogenase deficiency. Last evaluated: 2023-12-18. Review status: criteria provided, single submitter. Criteria: Invitae Variant Classification Sherloc (09022015). Collection method: clinical testing. Allele origin: germline.
Comment: This sequence change replaces aspartic acid, which is acidic and polar, with tyrosine, which is neutral and polar, at codon 208 of the ACADM protein (p.Asp208Tyr). This variant is not present in population databases (gnomAD no frequency). This missense change has been observed in individual(s) with MCAD deficiency (Invitae; external communication). In at least one individual the data is consistent with being in trans (on the opposite chromosome) from a pathogenic variant. ClinVar contains an entry for this variant (Variation ID: 1058323). Advanced modeling of protein sequence and biophysical properties (such as structural, functional, and spatial information, amino acid conservation, physicochemical variation, residue mobility, and thermodynamic stability) has been performed at Invitae for this missense variant, however the output from this modeling did not meet the statistical confidence thresholds required to predict the impact of this variant on ACADM protein function. Algorithms developed to predict the effect of sequence changes on RNA splicing suggest that this variant may disrupt the consensus splice site. In summary, the currently available evidence indicates that the variant is pathogenic, but additional data are needed to prove that conclusively. Therefore, this variant has been classified as Likely Pathogenic.

Natera, Inc.
Classification: Uncertain significance for Medium Chain Acyl-CoA Dehydrogenase Deficiency. Last evaluated: 2019-12-21. Review status: no assertion criteria provided. Collection method: clinical testing. Allele origin: germline. Not counted in ClinVar's aggregate classification.